The following is an entry in ClinVar:

NM_000744.7(CHRNA4):c.605A>C (p.Asp202Ala)

Gene: CHRNA4 (cholinergic receptor nicotinic alpha 4 subunit; minus strand). Cytogenetic location: 20q13.33.
Variant type: single nucleotide variant.
Coding change: c.605A>C on transcript NM_000744.7 (MANE Select); coding-DNA position 605, A replaced by C.
Protein change: p.Asp202Ala; replaces aspartic acid 202 with alanine.
Molecular consequence: missense variant. On other transcripts: non-coding transcript variant (1).
Genome position (GRCh38, 1-based): chr20:63,350,806, T>G on the plus strand (A>C on the coding strand, the complement: CHRNA4 is on the minus strand). VCF-style: chr20-63350806-T-G. GRCh37 (hg19) VCF-style: chr20-61982158-T-G.
Other names: c.77A>C, p.Asp26Ala (NM_001256573.2); short protein forms D202A, D26A.
Identifiers: ClinVar variation 2700239 (VCV002700239.3), dbSNP rs2068585224, ClinGen allele CA409637635.
Genomic context (GRCh38, chr20:63,350,806, plus strand): 5'-TTCCTGGTGTTGTAGGTGCCCACGGCATCCACGATGACCCACTCGCCACTCTCCCAGAAG[T>G]CCAGCTGGTCCACGCGGCTGTGCATGTTCACCAGGTCGATCTTGGCCTTGTCGTAGGTCC-3'
Protein context (NP_000735.1, residues 192-212): VNMHSRVDQL[Asp202Ala]FWESGEWVIV

ClinVar aggregate classification (germline): Uncertain significance (1 of 4 stars; one submission).

Conditions:
Familial sleep-related hypermotor epilepsy. Also called: Autosomal Dominant Sleep-Related Hypermotor (Hyperkinetic) Epilepsy. Identifiers: Orphanet 98784, MedGen C3696898, MONDO:0000030.

Allele frequency attached by ClinVar (database versions not stated): TOPMed below 0.00001.

Submission:

Labcorp Genetics (formerly Invitae), Labcorp
Classification: Uncertain significance. Last evaluated: 2023-12-01. Review status: criteria provided, single submitter. Criteria: Invitae Variant Classification Sherloc (09022015). Collection method: clinical testing. Allele origin: germline.
Comment: This sequence change replaces aspartic acid, which is acidic and polar, with alanine, which is neutral and non-polar, at codon 202 of the CHRNA4 protein (p.Asp202Ala). This variant is not present in population databases (gnomAD no frequency). This variant has not been reported in the literature in individuals affected with CHRNA4-related conditions. Advanced modeling of protein sequence and biophysical properties (such as structural, functional, and spatial information, amino acid conservation, physicochemical variation, residue mobility, and thermodynamic stability) performed at Invitae indicates that this missense variant is not expected to disrupt CHRNA4 protein function with a negative predictive value of 80%. In summary, the available evidence is currently insufficient to determine the role of this variant in disease. Therefore, it has been classified as a Variant of Uncertain Significance.